The following is an entry in ClinVar:

ClinVar aggregate classification (germline): Uncertain significance (1 of 4 stars; one submission).

Allele frequency attached by ClinVar (database versions not stated): gnomAD 0.00001; gnomAD exomes 0.00001.
gnomAD v4.1: 18 of 1,608,148 alleles (0.0011%); highest among the groups gnomAD compares: Admixed American, 0.0017%; no homozygotes.

Submission:

Labcorp Genetics (formerly Invitae), Labcorp
Classification: Uncertain significance. Last evaluated: 2025-01-16. Review status: criteria provided, single submitter. Criteria: Invitae Variant Classification Sherloc (09022015). Collection method: clinical testing. Allele origin: germline.
Comment: This sequence change replaces arginine, which is basic and polar, with glutamine, which is neutral and polar, at codon 857 of the OPA1 protein (p.Arg857Gln). This variant is not present in population databases (gnomAD no frequency). This variant has not been reported in the literature in individuals affected with OPA1-related conditions. ClinVar contains an entry for this variant (Variation ID: 1493751). Invitae Evidence Modeling of protein sequence and biophysical properties (such as structural, functional, and spatial information, amino acid conservation, physicochemical variation, residue mobility, and thermodynamic stability) indicates that this missense variant is not expected to disrupt OPA1 protein function with a negative predictive value of 80%. In summary, the available evidence is currently insufficient to determine the role of this variant in disease. Therefore, it has been classified as a Variant of Uncertain Significance.

NM_130837.3(OPA1):c.2735G>A (p.Arg912Gln)

Gene: OPA1 (OPA1 mitochondrial dynamin like GTPase; plus strand). Cytogenetic location: 3q29.
Variant type: single nucleotide variant.
Coding change: c.2735G>A on transcript NM_130837.3 (MANE Select); coding-DNA position 2735, G replaced by A.
Protein change: p.Arg912Gln; replaces arginine 912 with glutamine.
Molecular consequence: missense variant.
Genome position (GRCh38, 1-based): chr3:193,664,953, G>A. VCF-style: chr3-193664953-G-A. GRCh37 (hg19) VCF-style: chr3-193382742-G-A.
Other names: c.2201G>A, p.Arg734Gln (NM_001354663.2); c.2198G>A, p.Arg733Gln (NM_001354664.2); c.2570G>A, p.Arg857Gln (NM_015560.3); c.2462G>A, p.Arg821Gln (NM_130831.3); c.2516G>A, p.Arg839Gln (NM_130832.3); c.2573G>A, p.Arg858Gln (NM_130833.3); c.2624G>A, p.Arg875Gln (NM_130834.3); c.2627G>A, p.Arg876Gln (NM_130835.3); and 1 more; short protein forms R875Q, R912Q, R821Q, R857Q, R876Q, R733Q, R734Q, R858Q.
Identifiers: ClinVar variation 1493751 (VCV001493751.8), dbSNP rs1215497493, ClinGen allele CA355795415.